The following is an entry in ClinVar:

ClinVar aggregate classification (germline): Likely pathogenic (1 of 4 stars; one submission).

Submission:

GeneDx
Classification: Likely pathogenic. Last evaluated: 2018-08-28. Review status: criteria provided, single submitter. Criteria: GeneDx Variant Classification (06012015). Collection method: clinical testing. Allele origin: germline. Affected: yes.
Comment: The c.1828_1831dupGATA variant has not been published as a pathogenic variant, nor has it been reported as a benign variant to our knowledge. The c.1828_1831dupGATA variant is not observed in large population cohorts (Lek et al., 2016). The c.1828_1831dupGATA variant causes a frameshift starting with codon Threonine 611, changes this amino acid to an Arginine residue and creates a premature Stop codon at position 21 of the new reading frame, denoted p.Thr611ArgfsX21. This variant is predicted to cause loss of normal protein function through protein truncation as the last 202 amino acids of the protein are lost and replaced with 20 incorrect amnio acids. Therefore, this variant is likely pathogenic; however, the possibility that it is benign cannot be excluded.

NM_032436.4(CHAMP1):c.1828_1831dup (p.Thr611fs)

Gene: CHAMP1 (chromosome alignment maintaining phosphoprotein 1; plus strand). Cytogenetic location: 13q34.
Variant type: Duplication.
Coding change: c.1828_1831dup on transcript NM_032436.4 (MANE Select); coding-DNA positions 1828 to 1831, 4 bases duplicated (GATA; older notation c.1828_1831dupGATA).
Protein change: p.Thr611fs; shifts the reading frame from threonine 611.
Molecular consequence: frameshift variant.
Genome position (GRCh38, 1-based): chr13:114,325,670-114,325,673, GATA duplicated; duplicating any 4 consecutive bases within chr13:114,325,669-114,325,673 gives the same sequence; the c. name uses the placement nearest the transcript's 3' end. VCF-style (leftmost placement, unchanged base first): chr13-114325668-A-AAGAT. GRCh37 (hg19) VCF-style: chr13-115091143-A-AAGAT.
Other names: c.1828_1831dup, p.Thr611fs (NM_001164144.3, NM_001164145.3); short protein forms T611fs.
Identifiers: ClinVar variation 817782 (VCV000817782.1), dbSNP rs1594131992, ClinGen allele CA915948894.